The following is an entry in ClinVar:

NM_005664.4(MKRN3):c.637C>T (p.Arg213Trp)

Gene: MKRN3 (makorin ring finger protein 3; plus strand). Cytogenetic location: 15q11.2.
Variant type: single nucleotide variant.
Coding change: c.637C>T on transcript NM_005664.4 (MANE Select); coding-DNA position 637, C replaced by T.
Protein change: p.Arg213Trp; replaces arginine 213 with tryptophan.
Molecular consequence: missense variant.
Genome position (GRCh38, 1-based): chr15:23,566,419, C>T. VCF-style: chr15-23566419-C-T. GRCh37 (hg19) VCF-style: chr15-23811566-C-T.
Other names: short protein forms R213W.
Identifiers: ClinVar variation 2345021 (VCV002345021.7), dbSNP rs756685502, ClinGen allele CA7429434.

ClinVar aggregate classification (germline): Conflicting classifications of pathogenicity. Review status: criteria provided, conflicting classifications (1 of 4 stars). 2 submissions from 2 submitters: Uncertain significance (1); Likely benign (1). Last evaluated 2026-09-01.

Conditions:
Inborn genetic diseases. Identifiers: MedGen C0950123, MeSH D030342.

Allele frequency attached by ClinVar (database versions not stated): gnomAD 0.00002.
gnomAD v4.1: 51 of 1,613,994 alleles (0.0032%); highest among the groups gnomAD compares: Admixed American, 0.005%; no homozygotes.

Submissions (2):

CeGaT Center for Human Genetics Tuebingen
Classification: Likely benign. Last evaluated: 2026-09-01. Review status: criteria provided, single submitter. Criteria: CeGaT Center For Human Genetics Tuebingen Variant Classification Criteria Version 2. Collection method: clinical testing. Allele origin: germline. Affected: yes. Observed: 2 variant alleles.
Comment: MKRN3: BP4

Ambry Genetics
Classification: Uncertain significance for Inborn genetic diseases. Last evaluated: 2025-12-02. Review status: criteria provided, single submitter. Criteria: Ambry Variant Classification Scheme 2023. Collection method: clinical testing. Allele origin: germline.